The following is an entry in ClinVar:

NM_000038.6(APC):c.6386C>G (p.Ser2129Trp)

Gene: APC (APC regulator of Wnt signaling pathway; plus strand). Cytogenetic location: 5q22.2.
Variant type: single nucleotide variant.
Coding change: c.6386C>G on transcript NM_000038.6 (MANE Select); coding-DNA position 6386, C replaced by G.
Protein change: p.Ser2129Trp; replaces serine 2129 with tryptophan.
Molecular consequence: missense variant. On other transcripts: non-coding transcript variant (2).
Genome position (GRCh38, 1-based): chr5:112,841,980, C>G. VCF-style: chr5-112841980-C-G. GRCh37 (hg19) VCF-style: chr5-112177677-C-G.
Other names: c.6332C>G, p.Ser2111Trp (NM_001127511.3); c.6386C>G, p.Ser2129Trp (NM_001354895.2, NM_001127510.3, NM_001407450.1); c.6440C>G, p.Ser2147Trp (NM_001354896.2, NM_001407447.1, NM_001407448.1 and 1 more transcripts); c.6416C>G, p.Ser2139Trp (NM_001354897.2); c.6311C>G, p.Ser2104Trp (NM_001354898.2); c.6302C>G, p.Ser2101Trp (NM_001354899.2); c.6263C>G, p.Ser2088Trp (NM_001354900.2); c.6209C>G, p.Ser2070Trp (NM_001354901.2, NM_001407453.1); and 11 more; short protein forms S1969W, S2038W, S2088W, S2101W, S2111W, S1846W, S2003W, S2104W.
Identifiers: ClinVar variation 3411011 (VCV003411011.1).

ClinVar aggregate classification (germline): Uncertain significance (1 of 4 stars; one submission).

Conditions:
Hereditary cancer-predisposing syndrome. Also called: Neoplastic Syndromes, Hereditary; Tumor predisposition; Hereditary Cancer Syndrome; Hereditary neoplastic syndrome. Identifiers: Orphanet 140162, MedGen C0027672, MeSH D009386, MONDO:0015356.

gnomAD v4.1: 3 of 1,613,028 alleles (0.00019%); highest among the groups gnomAD compares: Non-Finnish European, 0.00025%; no homozygotes.

Submission:

Ambry Genetics
Classification: Uncertain significance for Hereditary cancer-predisposing syndrome. Last evaluated: 2024-09-12. Review status: criteria provided, single submitter. Criteria: Ambry Variant Classification Scheme 2023. Collection method: clinical testing. Allele origin: germline.
Comment: The p.S2129W variant (also known as c.6386C>G), located in coding exon 15 of the APC gene, results from a C to G substitution at nucleotide position 6386. The serine at codon 2129 is replaced by tryptophan, an amino acid with highly dissimilar properties. This amino acid position is conserved. In addition, in silico predictors for this gene do not accurately predict pathogenicity. Based on the available evidence, the clinical significance of this variant remains unclear.